The following is an entry in ClinVar:

NM_003705.5(SLC25A12):c.1178T>C (p.Ile393Thr)

Gene: SLC25A12 (solute carrier family 25 member 12; minus strand). Cytogenetic location: 2q31.1.
Variant type: single nucleotide variant.
Coding change: c.1178T>C on transcript NM_003705.5 (MANE Select); coding-DNA position 1178, T replaced by C.
Protein change: p.Ile393Thr; replaces isoleucine 393 with threonine.
Molecular consequence: missense variant. On other transcripts: non-coding transcript variant (1).
Genome position (GRCh38, 1-based): chr2:171,810,270, A>G on the plus strand (T>C on the coding strand, the complement: SLC25A12 is on the minus strand). VCF-style: chr2-171810270-A-G. GRCh37 (hg19) VCF-style: chr2-172666780-A-G.
Other names: short protein forms I393T.
Identifiers: ClinVar variation 1480176 (VCV001480176.8), dbSNP rs1449509283, ClinGen allele CA349290027.

ClinVar aggregate classification (germline): Uncertain significance (1 of 4 stars; one submission).

Allele frequency attached by ClinVar (database versions not stated): gnomAD exomes below 0.00001.

Submission:

Labcorp Genetics (formerly Invitae), Labcorp
Classification: Uncertain significance. Last evaluated: 2021-07-12. Review status: criteria provided, single submitter. Criteria: Invitae Variant Classification Sherloc (09022015). Collection method: clinical testing. Allele origin: germline.
Comment: This sequence change replaces isoleucine with threonine at codon 393 of the SLC25A12 protein (p.Ile393Thr). The isoleucine residue is weakly conserved and there is a moderate physicochemical difference between isoleucine and threonine. This variant is not present in population databases (ExAC no frequency). This variant has not been reported in the literature in individuals affected with SLC25A12-related conditions. Algorithms developed to predict the effect of missense changes on protein structure and function (SIFT, PolyPhen-2, Align-GVGD) all suggest that this variant is likely to be tolerated. In summary, the available evidence is currently insufficient to determine the role of this variant in disease. Therefore, it has been classified as a Variant of Uncertain Significance.